The following is an entry in ClinVar:

NM_004360.5(CDH1):c.1565+6T>A

Gene: CDH1 (cadherin 1; plus strand). Cytogenetic location: 16q22.1.
Variant type: single nucleotide variant.
Coding change: c.1565+6T>A on transcript NM_004360.5 (MANE Select); 6 bases into the intron after coding-DNA position 1565, T replaced by A.
Molecular consequence: intron variant.
Genome position (GRCh38, 1-based): chr16:68,815,765, T>A. VCF-style: chr16-68815765-T-A. GRCh37 (hg19) VCF-style: chr16-68849668-T-A.
Other names: c.17+6T>A (NM_001317185.2); c.-255+6T>A (NM_001317186.2); c.1382+6T>A (NM_001317184.2).
Identifiers: ClinVar variation 928545 (VCV000928545.1), dbSNP rs587780785, ClinGen allele CA1139664761.

ClinVar aggregate classification (germline): Uncertain significance (1 of 4 stars; one submission).

Submission:

Women's Health and Genetics/Laboratory Corporation of America, LabCorp
Classification: Uncertain significance. Last evaluated: 2019-01-29. Review status: criteria provided, single submitter. Criteria: LabCorp Variant Classification Summary - May 2015. Collection method: clinical testing. Allele origin: germline.
Comment: Variant summary: CDH1 c.1565+6T>A alters a non-conserved nucleotide located close to a canonical splice site and therefore could affect mRNA splicing, leading to a significantly altered protein sequence. Several computational tools predict a significant impact on normal splicing: two predict the variant weakens a 5' donor site. However, these predictions have yet to be confirmed by functional studies. The variant was absent in 246102 control chromosomes (gnomAD). The available data on variant occurrences in the general population are insufficient to allow any conclusion about variant significance. To our knowledge, no occurrence of c.1565+6T>A in individuals affected with Hereditary Diffuse Gastric Cancer and no experimental evidence demonstrating its impact on protein function have been reported. No clinical diagnostic laboratories have submitted clinical-significance assessments for this variant to ClinVar after 2014. Based on the evidence outlined above, the variant was classified as uncertain significance.